The following is an entry in ClinVar:

NM_005120.3(MED12):c.1702G>T (p.Asp568Tyr)

Genes: MED12 (mediator complex subunit 12; plus strand), LOC126863275 (BRD4-independent group 4 enhancer GRCh37_chrX:70342400-70343599; plus strand). Cytogenetic location: Xq13.1.
Variant type: single nucleotide variant.
Coding change: c.1702G>T on transcript NM_005120.3 (MANE Select); coding-DNA position 1702, G replaced by T.
Protein change: p.Asp568Tyr; replaces aspartic acid 568 with tyrosine.
Molecular consequence: missense variant.
Genome position (GRCh38, 1-based): chrX:71,123,678, G>T. VCF-style: chrX-71123678-G-T. GRCh37 (hg19) VCF-style: chrX-70343528-G-T.
Other names: short protein forms D568Y.
Identifiers: ClinVar variation 3035567 (VCV003035567.2), dbSNP rs188593863, ClinGen allele CA10444221.

ClinVar aggregate classification (germline): Uncertain significance (0 of 4 stars; one submission).

Conditions:
MED12-Related Disorders. Also called: MED12-related condition; MED12-related disorder. Identifiers: MedGen CN381102.

Allele frequency attached by ClinVar (database versions not stated): gnomAD 0.00001; ExAC 0.00002; 1000 Genomes Project 30x 0.00021; 1000 Genomes Project 0.00026.
gnomAD v4.1: 1 of 1,205,443 alleles (0.000083%); highest among the groups gnomAD compares: African/African-American, 0.0018%; no homozygotes.

Submission:

PreventionGenetics, part of Exact Sciences
Classification: Uncertain significance for MED12-related condition. Last evaluated: 2023-11-02. Review status: no assertion criteria provided. Collection method: clinical testing. Allele origin: germline.
Comment: The MED12 c.1702G>T variant is predicted to result in the amino acid substitution p.Asp568Tyr. To our knowledge, this variant has not been reported in the literature. This variant is reported in 0.0085% of alleles in individuals of African descent in gnomAD. At this time, the clinical significance of this variant is uncertain due to the absence of conclusive functional and genetic evidence.